The following is an entry in ClinVar:

ClinVar aggregate classification (germline): Uncertain significance. Review status: criteria provided, multiple submitters, no conflicts (2 of 4 stars). 2 submissions from 2 submitters: Uncertain significance (2). Last evaluated 2026-09-01.

Conditions:
Inborn genetic diseases. Identifiers: MedGen C0950123, MeSH D030342.
Mosaic variegated aneuploidy syndrome 1 (MVA1). Also called: Warburton-Anyane-Yeboa syndrome. Identifiers: Orphanet 1052, MedGen C1850343, MONDO:0009759, OMIM 257300.

Submissions (2):

Ambry Genetics
Classification: Uncertain significance for Inborn genetic diseases. Last evaluated: 2026-09-01. Review status: criteria provided, single submitter. Criteria: Ambry Variant Classification Scheme 2023. Collection method: clinical testing. Allele origin: germline.
Comment: The p.N816I variant (also known as c.2447A>T), located in coding exon 19 of the BUB1B gene, results from an A to T substitution at nucleotide position 2447. The asparagine at codon 816 is replaced by isoleucine, an amino acid with dissimilar properties. This amino acid position is conserved. In addition, this alteration is predicted to be tolerated by in silico analysis. Based on the available evidence, the clinical significance of this variant remains unclear.

Labcorp Genetics (formerly Invitae), Labcorp
Classification: Uncertain significance for Mosaic variegated aneuploidy syndrome 1. Last evaluated: 2022-06-28. Review status: criteria provided, single submitter. Criteria: Invitae Variant Classification Sherloc (09022015). Collection method: clinical testing. Allele origin: germline.
Comment: In summary, the available evidence is currently insufficient to determine the role of this variant in disease. Therefore, it has been classified as a Variant of Uncertain Significance. Algorithms developed to predict the effect of missense changes on protein structure and function are either unavailable or do not agree on the potential impact of this missense change (SIFT: "Tolerated"; PolyPhen-2: "Possibly Damaging"; Align-GVGD: "Class C0"). This variant has not been reported in the literature in individuals affected with BUB1B-related conditions. This variant is not present in population databases (gnomAD no frequency). This sequence change replaces asparagine, which is neutral and polar, with isoleucine, which is neutral and non-polar, at codon 816 of the BUB1B protein (p.Asn816Ile).

NM_001211.6(BUB1B):c.2447A>T (p.Asn816Ile)

Gene: BUB1B (BUB1 mitotic checkpoint serine/threonine kinase B; plus strand). Cytogenetic location: 15q15.1.
Variant type: single nucleotide variant.
Coding change: c.2447A>T on transcript NM_001211.6 (MANE Select); coding-DNA position 2447, A replaced by T.
Protein change: p.Asn816Ile; replaces asparagine 816 with isoleucine.
Molecular consequence: missense variant.
Genome position (GRCh38, 1-based): chr15:40,212,560, A>T. VCF-style: chr15-40212560-A-T. GRCh37 (hg19) VCF-style: chr15-40504761-A-T.
Other names: short protein forms N816I.
Identifiers: ClinVar variation 2011996 (VCV002011996.5), dbSNP rs1279903252, ClinGen allele CA391695228.